The following is an entry in ClinVar:

ClinVar aggregate classification (germline): Uncertain significance (1 of 4 stars; one submission).

Allele frequency attached by ClinVar (database versions not stated): TOPMed 0.00001.
gnomAD v4.1: 5 of 1,614,132 alleles (0.00031%); highest among the groups gnomAD compares: Non-Finnish European, 0.00034%; no homozygotes.

Submission:

Ambry Genetics
Classification: Uncertain significance. Last evaluated: 2023-10-16. Review status: criteria provided, single submitter. Criteria: Ambry Variant Classification Scheme 2023. Collection method: clinical testing. Allele origin: germline.
Comment: The p.G1726E variant (also known as c.5177G>A), located in coding exon 4 of the ALPK2 gene, results from a G to A substitution at nucleotide position 5177. The glycine at codon 1726 is replaced by glutamic acid, an amino acid with similar properties. This amino acid position is conserved. In addition, the in silico prediction for this alteration is inconclusive. Since supporting evidence is limited at this time, the clinical significance of this alteration remains unclear.

NM_052947.4(ALPK2):c.5177G>A (p.Gly1726Glu)

Genes: ALPK2 (alpha kinase 2; minus strand), LOC130062577 (ATAC-STARR-seq lymphoblastoid active region 13389; plus strand). Cytogenetic location: 18q21.31.
Variant type: single nucleotide variant.
Coding change: c.5177G>A on transcript NM_052947.4 (MANE Select); coding-DNA position 5177, G replaced by A.
Protein change: p.Gly1726Glu; replaces glycine 1726 with glutamic acid.
Molecular consequence: missense variant.
Genome position (GRCh38, 1-based): chr18:58,535,010, C>T on the plus strand (G>A on the coding strand, the complement: ALPK2 is on the minus strand). VCF-style: chr18-58535010-C-T. GRCh37 (hg19) VCF-style: chr18-56202242-C-T.
Other names: short protein forms G1726E.
Identifiers: ClinVar variation 1745830 (VCV001745830.2), dbSNP rs1019466679, ClinGen allele CA300926042.